The following is an entry in ClinVar:

ClinVar aggregate classification (germline): Uncertain significance (1 of 4 stars; one submission).

Submission:

Mayo Clinic Laboratories, Mayo Clinic
Classification: Uncertain significance. Last evaluated: 2025-05-13. Review status: criteria provided, single submitter. Criteria: ACMG Guidelines, 2015. Collection method: clinical testing. Allele origin: germline. Observed: 1 variant allele.
Comment: PM2_supporting

NM_001110556.2(FLNA):c.6992A>C (p.Asp2331Ala)

Gene: FLNA (filamin A; minus strand). Cytogenetic location: Xq28.
Variant type: single nucleotide variant.
Coding change: c.6992A>C on transcript NM_001110556.2 (MANE Select); coding-DNA position 6992, A replaced by C.
Protein change: p.Asp2331Ala; replaces aspartic acid 2331 with alanine.
Molecular consequence: missense variant.
Genome position (GRCh38, 1-based): chrX:154,351,612, T>G on the plus strand (A>C on the coding strand, the complement: FLNA is on the minus strand). VCF-style: chrX-154351612-T-G. GRCh37 (hg19) VCF-style: chrX-153579980-T-G.
Other names: p.Asp2323Ala; c.6968A>C, p.Asp2323Ala (NM_001456.4); short protein forms D2331A, D2323A.
Identifiers: ClinVar variation 4542507 (VCV004542507.1).